The following is an entry in ClinVar:

NM_015295.3(SMCHD1):c.4706C>T (p.Ser1569Leu)

Gene: SMCHD1 (structural maintenance of chromosomes flexible hinge domain containing 1; plus strand). Cytogenetic location: 18p11.32.
Variant type: single nucleotide variant.
Coding change: c.4706C>T on transcript NM_015295.3 (MANE Select); coding-DNA position 4706, C replaced by T.
Protein change: p.Ser1569Leu; replaces serine 1569 with leucine.
Molecular consequence: missense variant.
Genome position (GRCh38, 1-based): chr18:2,763,776, C>T. VCF-style: chr18-2763776-C-T. GRCh37 (hg19) VCF-style: chr18-2763774-C-T.
Other names: c.4706C>T (NM_015295.2); short protein forms S1569L.
Identifiers: ClinVar variation 2194625 (VCV002194625.5), dbSNP rs756589979, ClinGen allele CA8871548.

ClinVar aggregate classification (germline): Uncertain significance. Review status: criteria provided, multiple submitters, no conflicts (2 of 4 stars). 2 submissions from 2 submitters: Uncertain significance (2). Last evaluated 2024-09-06.

Conditions:
Facioscapulohumeral muscular dystrophy 2 (FSHD2). Also called: MUSCULAR DYSTROPHY, FACIOSCAPULOHUMERAL, TYPE 1B; FACIOSCAPULOHUMERAL MUSCULAR DYSTROPHY 2, DIGENIC; FSHD2, DIGENIC. Identifiers: Orphanet 269, MedGen C1834671, MONDO:0008031, OMIM 158901.
Inborn genetic diseases. Identifiers: MedGen C0950123, MeSH D030342.

Allele frequency attached by ClinVar (database versions not stated): ExAC 0.00001.
gnomAD v4.1: 27 of 1,604,506 alleles (0.0017%); highest among the groups gnomAD compares: South Asian, 0.0056%; no homozygotes.

Submissions (2):

Labcorp Genetics (formerly Invitae), Labcorp
Classification: Uncertain significance for Facioscapulohumeral muscular dystrophy 2. Last evaluated: 2024-09-06. Review status: criteria provided, single submitter. Criteria: Invitae Variant Classification Sherloc (09022015). Collection method: clinical testing. Allele origin: germline.
Comment: This sequence change replaces serine, which is neutral and polar, with leucine, which is neutral and non-polar, at codon 1569 of the SMCHD1 protein (p.Ser1569Leu). This variant is present in population databases (rs756589979, gnomAD 0.01%). This variant has not been reported in the literature in individuals affected with SMCHD1-related conditions. ClinVar contains an entry for this variant (Variation ID: 2194625). Invitae Evidence Modeling of protein sequence and biophysical properties (such as structural, functional, and spatial information, amino acid conservation, physicochemical variation, residue mobility, and thermodynamic stability) indicates that this missense variant is not expected to disrupt SMCHD1 protein function with a negative predictive value of 80%. In summary, the available evidence is currently insufficient to determine the role of this variant in disease. Therefore, it has been classified as a Variant of Uncertain Significance.

Ambry Genetics
Classification: Uncertain significance for Inborn genetic diseases. Last evaluated: 2023-08-28. Review status: criteria provided, single submitter. Criteria: Ambry Variant Classification Scheme 2023. Collection method: clinical testing. Allele origin: germline.